The following is an entry in ClinVar:

ClinVar aggregate classification (germline): Uncertain significance (1 of 4 stars; one submission).

Conditions:
Complement component 3 deficiency. Identifiers: Orphanet 280133, MedGen C3151071, MONDO:0013417, OMIM 613779.
C3 glomerulonephritis. Also called: Nephropathy due to CFHR5 Deficiency; C3 GLOMERULOPATHY 3. Identifiers: Orphanet 329931, MedGen C4055342, MONDO:0013892, OMIM 614809.
Atypical hemolytic-uremic syndrome. Identifiers: Orphanet 2134, MedGen C2931788, MONDO:0016244.

Submission:

Genomenon, Inc
Classification: Uncertain significance for Complement component 3 deficiency; C3 glomerulonephritis; Atypical hemolytic-uremic syndrome. Last evaluated: 2025-09-30. Review status: criteria provided, single submitter. Criteria: Genomenon Sequence Variant Interpretation Standards. Collection method: curation. Allele origin: germline. Affected: no.
Comment: C3 p.Glu780Ala (c.2339A>C) is a missense variant that changes the amino acid at residue 780 from Glutamic acid to Alanine. This variant has been reported in the published literature (PMID:9988761). It is absent or not present at a significant frequency in gnomAD. In silico models agree that this variant is not damaging. In conclusion, we classify C3 p.Glu780Ala (c.2339A>C) as a variant of unknown significance.

Literature cited by the submitters: PubMed 9988761.

NM_000064.4(C3):c.2339A>C (p.Glu780Ala)

Gene: C3 (complement C3; minus strand). Cytogenetic location: 19p13.3.
Variant type: single nucleotide variant.
Coding change: c.2339A>C on transcript NM_000064.4 (MANE Select); coding-DNA position 2339, A replaced by C.
Protein change: p.Glu780Ala; replaces glutamic acid 780 with alanine.
Molecular consequence: missense variant.
Genome position (GRCh38, 1-based): chr19:6,702,486, T>G on the plus strand (A>C on the coding strand, the complement: C3 is on the minus strand). VCF-style: chr19-6702486-T-G. GRCh37 (hg19) VCF-style: chr19-6702497-T-G.
Other names: short protein forms E780A.
Identifiers: ClinVar variation 4280166 (VCV004280166.1).